The following is an entry in ClinVar:

ClinVar aggregate classification (germline): Pathogenic/Likely pathogenic. Review status: criteria provided, multiple submitters, no conflicts (2 of 4 stars). 5 submissions from 5 submitters: Pathogenic (3); Likely pathogenic (2). Last evaluated 2024-12-16.

Conditions:
TRIP4-related disorder. Also called: TRIP4-related condition; TRIP4-related disorders.
Spinal muscular atrophy with congenital bone fractures 1 (SMABF1). Also called: SMA1 with congenital bone fractures. Identifiers: MedGen C4225177, MONDO:0014806, OMIM 616866.

Allele frequency attached by ClinVar (database versions not stated): ExAC 0.00002; gnomAD exomes 0.00002; gnomAD 0.00006; TOPMed 0.00007; ESP Exome Variant Server 0.00008; 1000 Genomes Project 0.00020; 1000 Genomes Project 30x 0.00031.
gnomAD v4.1: 42 of 1,614,016 alleles (0.0026%); highest among the groups gnomAD compares: Admixed American, 0.0083%; no homozygotes.

Submissions (5):

Dasa
Classification: Likely pathogenic. Last evaluated: 2024-12-16. Review status: criteria provided, single submitter. Criteria: DASA Assertion Criteria. Collection method: clinical testing. Allele origin: germline.
Comment: NM_016213.5(TRIP4):c.925C>T (p.Arg309*) is a nonsense variant in TRIP4 predicted to introduce a premature termination codon and is predicted to result in an absent or altered protein product. Loss of function is an established disease mechanism for TRIP4-associated disorders. Also, this variant is rare in population databases. Based on the currently available evidence, this variant is classified as likely pathogenic.

Blueprint Genetics
Classification: Pathogenic for TRIP4-related disorders. Last evaluated: 2024-11-14. Review status: criteria provided, single submitter. Criteria: ACMG Guidelines, 2015. Collection method: clinical testing. Allele origin: germline. Affected: yes. Observed: 4 variant alleles.

Labcorp Genetics (formerly Invitae), Labcorp
Classification: Pathogenic. Last evaluated: 2024-05-01. Review status: criteria provided, single submitter. Criteria: Invitae Variant Classification Sherloc (09022015). Collection method: clinical testing. Allele origin: germline.
Comment: This sequence change creates a premature translational stop signal (p.Arg309*) in the TRIP4 gene. It is expected to result in an absent or disrupted protein product. Loss-of-function variants in TRIP4 are known to be pathogenic (PMID: 26924529, 27008887). This variant is present in population databases (rs147303485, gnomAD 0.009%). This premature translational stop signal has been observed in individual(s) with clinical features of TRIP4-related conditions (PMID: 35276412). ClinVar contains an entry for this variant (Variation ID: 432682). For these reasons, this variant has been classified as Pathogenic.

GeneDx
Classification: Pathogenic. Last evaluated: 2021-07-26. Review status: criteria provided, single submitter. Criteria: GeneDx Variant Classification Process June 2021. Collection method: clinical testing. Allele origin: germline. Affected: yes.
Comment: Nonsense variant predicted to result in protein truncation or nonsense mediated decay in a gene for which loss-of-function is a known mechanism of disease; Not observed at significant frequency in large population cohorts (Lek et al., 2016); Has not been previously published as pathogenic or benign to our knowledge

Mendelics
Classification: Likely pathogenic for Spinal muscular atrophy with congenital bone fractures 1. Last evaluated: 2019-05-28. Review status: criteria provided, single submitter. Criteria: Mendelics Assertion Criteria 2017. Collection method: clinical testing. Allele origin: unknown.

Literature cited by the submitters: PubMed 26924529 (cited by Labcorp Genetics (formerly Invitae), Labcorp); PubMed 27008887 (cited by Labcorp Genetics (formerly Invitae), Labcorp); PubMed 35276412 (cited by Labcorp Genetics (formerly Invitae), Labcorp).

NM_016213.5(TRIP4):c.925C>T (p.Arg309Ter)

Gene: TRIP4 (thyroid hormone receptor interactor 4; plus strand). Cytogenetic location: 15q22.31.
Variant type: single nucleotide variant.
Coding change: c.925C>T on transcript NM_016213.5 (MANE Select); coding-DNA position 925, C replaced by T.
Protein change: p.Arg309Ter; replaces arginine 309 with a stop codon.
Molecular consequence: nonsense. On other transcripts: non-coding transcript variant (1).
Genome position (GRCh38, 1-based): chr15:64,409,710, C>T. VCF-style: chr15-64409710-C-T. GRCh37 (hg19) VCF-style: chr15-64701909-C-T.
Other names: c.235C>T, p.Arg79Ter (NM_001321924.2); short protein forms R309*, R79*.
Identifiers: ClinVar variation 432682 (VCV000432682.10), dbSNP rs147303485, ClinGen allele CA7609502.